The following is an entry in ClinVar:

ClinVar aggregate classification (germline): Likely benign. Review status: criteria provided, multiple submitters, no conflicts (2 of 4 stars). 2 submissions from 2 submitters: Likely benign (2). Last evaluated 2025-11-24.

Conditions:
Fanconi anemia (FA). Also called: Fanconi's anemia. Identifiers: Orphanet 84, MedGen C0015625, MeSH D005199, MONDO:0019391.

Allele frequency attached by ClinVar (database versions not stated): TOPMed below 0.00001.

Submissions (2):

Labcorp Genetics (formerly Invitae), Labcorp
Classification: Likely benign for Fanconi anemia. Last evaluated: 2025-11-24. Review status: criteria provided, single submitter. Criteria: Invitae Variant Classification Sherloc (09022015). Collection method: clinical testing. Allele origin: germline.

CeGaT Center for Human Genetics Tuebingen
Classification: Likely benign. Last evaluated: 2025-10-01. Review status: criteria provided, single submitter. Criteria: CeGaT Center For Human Genetics Tuebingen Variant Classification Criteria Version 2. Collection method: clinical testing. Allele origin: germline. Affected: yes. Observed: 1 variant allele.
Comment: FANCD2: BP4, BP7

NM_001018115.3(FANCD2):c.967T>C (p.Leu323=)

Genes: FANCD2 (FA complementation group D2; plus strand), LOC107303338 (3p25 FANCD2 Alu-mediated recombination region; plus strand). Cytogenetic location: 3p25.3.
Variant type: single nucleotide variant.
Coding change: c.967T>C on transcript NM_001018115.3 (MANE Select); coding-DNA position 967, T replaced by C.
Protein change: p.Leu323=; no amino-acid change (leucine 323 retained).
Molecular consequence: synonymous variant.
Genome position (GRCh38, 1-based): chr3:10,043,128, T>C. VCF-style: chr3-10043128-T-C. GRCh37 (hg19) VCF-style: chr3-10084812-T-C.
Other names: c.967T>C, p.Leu323= (NM_001319984.2, NM_001374253.1, NM_001374254.1 and 1 more transcripts).
Identifiers: ClinVar variation 2720955 (VCV002720955.9), dbSNP rs370641659, ClinGen allele CA2249420.
Genomic context (GRCh38, chr3:10,043,128, plus strand): 5'-GAGAAGTTGGATCTGCAGCATTGTGTTTTGCCATCACGGTTACAGGCTTCCCAAGTAAAG[T>C]TGAAAAGTAAAGGACGAGCAAGGTAAAGAGCTCATCCTCACACAGGATGTCACAATTTTC-3'
Protein context (NP_001018125.1, residues 313-333): PSRLQASQVK[Leu323=]KSKGRASSSG